The following is an entry in ClinVar:

NM_001079872.2(CUL4B):c.2439+2T>C

Gene: CUL4B (cullin 4B; minus strand). Cytogenetic location: Xq24.
Variant type: single nucleotide variant.
Coding change: c.2439+2T>C on transcript NM_001079872.2 (MANE Select); the canonical splice donor site of the intron after coding-DNA position 2439, T replaced by C.
Molecular consequence: splice donor variant.
Genome position (GRCh38, 1-based): chrX:120,532,420, A>G on the plus strand (T>C on the coding strand, the complement: CUL4B is on the minus strand). VCF-style: chrX-120532420-A-G. GRCh37 (hg19) VCF-style: chrX-119666275-A-G.
Other names: c.2493+2T>C (NM_003588.4); c.2454+2T>C (NM_001330624.2); c.1905+2T>C (NM_001369145.1).
Identifiers: ClinVar variation 1342100 (VCV001342100.2), dbSNP rs2147321505, ClinGen allele CA414193478.

ClinVar aggregate classification (germline): Pathogenic (1 of 4 stars; one submission).

Submission:

GeneDx
Classification: Pathogenic. Last evaluated: 2022-02-14. Review status: criteria provided, single submitter. Criteria: GeneDx Variant Classification Process June 2021. Collection method: clinical testing. Allele origin: germline. Affected: yes.
Comment: Canonical splice site variant predicted to result in a null allele in a gene for which loss-of-function is a known mechanism of disease; Not observed at significant frequency in large population cohorts (gnomAD); Has not been previously published as pathogenic or benign to our knowledge